The following is an entry in ClinVar:

ClinVar aggregate classification (germline): Likely benign. Review status: criteria provided, multiple submitters, no conflicts (2 of 4 stars). 2 submissions from 2 submitters: Likely benign (2). Last evaluated 2026-04-01.

Conditions:
TH-deficient dopa-responsive dystonia. Also called: DYT-TH; Segawa syndrome, autosomal recessive; Tyrosine Hydroxylase-Deficient Dopa-Responsive Dystonia. Identifiers: Orphanet 101150, MedGen C2673535, MONDO:0011551, OMIM 605407.

Allele frequency attached by ClinVar (database versions not stated): gnomAD exomes 0.00001 and 0.00003; TOPMed 0.00001; ExAC 0.00002.

Submissions (2):

CeGaT Center for Human Genetics Tuebingen
Classification: Likely benign. Last evaluated: 2026-04-01. Review status: criteria provided, single submitter. Criteria: CeGaT Center For Human Genetics Tuebingen Variant Classification Criteria Version 2. Collection method: clinical testing. Allele origin: germline. Affected: yes. Observed: 1 variant allele.
Comment: TH: BP4, BP7

Labcorp Genetics (formerly Invitae), Labcorp
Classification: Likely benign for TH-deficient dopa-responsive dystonia. Last evaluated: 2025-10-22. Review status: criteria provided, single submitter. Criteria: Invitae Variant Classification Sherloc (09022015). Collection method: clinical testing. Allele origin: germline.

NM_000360.4(TH):c.286C>T (p.Leu96=)

Gene: TH (tyrosine hydroxylase; minus strand). Cytogenetic location: 11p15.5.
Variant type: single nucleotide variant.
Coding change: c.286C>T on transcript NM_000360.4 (MANE Select); coding-DNA position 286, C replaced by T.
Protein change: p.Leu96=; no amino-acid change (leucine 96 retained).
Molecular consequence: synonymous variant.
Genome position (GRCh38, 1-based): chr11:2,169,676, G>A on the plus strand (C>T on the coding strand, the complement: TH is on the minus strand). VCF-style: chr11-2169676-G-A. GRCh37 (hg19) VCF-style: chr11-2190906-G-A.
Other names: c.379C>T, p.Leu127= (NM_199292.3); c.367C>T, p.Leu123= (NM_199293.3).
Identifiers: ClinVar variation 1079550 (VCV001079550.11), dbSNP rs74742646, ClinGen allele CA5818736.